The following is an entry in ClinVar:

ClinVar aggregate classification (germline): Uncertain significance. Review status: criteria provided, multiple submitters, no conflicts (2 of 4 stars). 2 submissions from 2 submitters: Uncertain significance (2). Last evaluated 2021-09-01.

Conditions:
Fanconi anemia (FA). Also called: Fanconi's anemia. Identifiers: Orphanet 84, MedGen C0015625, MeSH D005199, MONDO:0019391.

Allele frequency attached by ClinVar (database versions not stated): ExAC 0.00001; gnomAD exomes 0.00001.

Submissions (2):

Labcorp Genetics (formerly Invitae), Labcorp
Classification: Uncertain significance for Fanconi anemia. Last evaluated: 2021-09-01. Review status: criteria provided, single submitter. Criteria: Invitae Variant Classification Sherloc (09022015). Collection method: clinical testing. Allele origin: germline.
Comment: This sequence change replaces methionine with valine at codon 1169 of the FANCI protein (p.Met1169Val). The methionine residue is weakly conserved and there is a small physicochemical difference between methionine and valine. The frequency data for this variant in the population databases is considered unreliable, as metrics indicate poor data quality at this position in the ExAC database. This variant has not been reported in the literature in individuals affected with FANCI-related conditions. ClinVar contains an entry for this variant (Variation ID: 435161). Algorithms developed to predict the effect of missense changes on protein structure and function (SIFT, PolyPhen-2, Align-GVGD) all suggest that this variant is likely to be tolerated. In summary, the available evidence is currently insufficient to determine the role of this variant in disease. Therefore, it has been classified as a Variant of Uncertain Significance.

Genetic Services Laboratory, University of Chicago
Classification: Uncertain significance. Last evaluated: 2016-11-21. Review status: criteria provided, single submitter. Criteria: ACMG Guidelines, 2015. Collection method: clinical testing. Allele origin: germline. Affected: no.

NM_001113378.2(FANCI):c.3505A>G (p.Met1169Val)

Gene: FANCI (FA complementation group I; plus strand). Cytogenetic location: 15q26.1.
Variant type: single nucleotide variant.
Coding change: c.3505A>G on transcript NM_001113378.2 (MANE Select); coding-DNA position 3505, A replaced by G.
Protein change: p.Met1169Val; replaces methionine 1169 with valine.
Molecular consequence: missense variant.
Genome position (GRCh38, 1-based): chr15:89,306,162, A>G. VCF-style: chr15-89306162-A-G. GRCh37 (hg19) VCF-style: chr15-89849393-A-G.
Other names: c.3226A>G, p.Met1076Val (NM_001376910.1); c.3505A>G, p.Met1169Val (NM_001376911.1); c.3325A>G, p.Met1109Val (NM_018193.3); short protein forms M1169V, M1109V, M1076V.
Identifiers: ClinVar variation 435161 (VCV000435161.11), dbSNP rs757606290, ClinGen allele CA7723735.